The following is an entry in ClinVar:

ClinVar aggregate classification (germline): Conflicting classifications of pathogenicity. Review status: criteria provided, conflicting classifications (1 of 4 stars). 2 submissions from 2 submitters: Uncertain significance (1); Benign (1). Last evaluated 2025-06-22.

Conditions:
Brugada syndrome 5 (BRGDA5). Identifiers: Orphanet 130, Orphanet 871, MedGen C2748541, MONDO:0013015, OMIM 612838.

Allele frequency attached by ClinVar (database versions not stated): gnomAD 0.00001; gnomAD exomes 0.00001; TOPMed 0.00001.

Submissions (2):

Labcorp Genetics (formerly Invitae), Labcorp
Classification: Uncertain significance for Brugada syndrome 5. Last evaluated: 2025-06-22. Review status: criteria provided, single submitter. Criteria: Invitae Variant Classification Sherloc (09022015). Collection method: clinical testing. Allele origin: germline.
Comment: This sequence change replaces arginine, which is basic and polar, with glutamine, which is neutral and polar, at codon 265 of the SCN1B protein (p.Arg265Gln). This variant is present in population databases (no rsID available, gnomAD 0.004%). This variant has not been reported in the literature in individuals affected with SCN1B-related conditions. ClinVar contains an entry for this variant (Variation ID: 1274828). An algorithm developed to predict the effect of missense changes on protein structure and function outputs the following: PolyPhen-2: "Benign". The glutamine amino acid residue is found in multiple mammalian species, which suggests that this missense change does not adversely affect protein function. In summary, the available evidence is currently insufficient to determine the role of this variant in disease. Therefore, it has been classified as a Variant of Uncertain Significance.

GeneDx
Classification: Benign. Last evaluated: 2015-03-03. Review status: criteria provided, single submitter. Criteria: GeneDx Variant Classification Process June 2021. Collection method: clinical testing. Allele origin: germline. Affected: yes.

NM_001037.5(SCN1B):c.448+346G>A

Gene: SCN1B (sodium voltage-gated channel beta subunit 1; plus strand). Cytogenetic location: 19q13.11.
Variant type: single nucleotide variant.
Coding change: c.448+346G>A on transcript NM_001037.5 (MANE Select); 346 bases into the intron after coding-DNA position 448, G replaced by A.
Molecular consequence: intron variant. On other transcripts: missense variant (1).
Genome position (GRCh38, 1-based): chr19:35,034,085, G>A. VCF-style: chr19-35034085-G-A. GRCh37 (hg19) VCF-style: chr19-35524989-G-A.
Other names: c.794G>A, p.Arg265Gln (NM_199037.5); c.349+346G>A (NM_001321605.2); short protein forms R265Q.
Identifiers: ClinVar variation 1274828 (VCV001274828.4), dbSNP rs76302703, ClinGen allele CA307703851.